The following is an entry in ClinVar:

NM_000053.4(ATP7B):c.748G>C (p.Gly250Arg)

Gene: ATP7B (ATPase copper transporting beta; minus strand). Cytogenetic location: 13q14.3.
Variant type: single nucleotide variant.
Coding change: c.748G>C on transcript NM_000053.4 (MANE Select); coding-DNA position 748, G replaced by C.
Protein change: p.Gly250Arg; replaces glycine 250 with arginine.
Molecular consequence: missense variant.
Genome position (GRCh38, 1-based): chr13:51,974,472, C>G on the plus strand (G>C on the coding strand, the complement: ATP7B is on the minus strand). VCF-style: chr13-51974472-C-G. GRCh37 (hg19) VCF-style: chr13-52548608-C-G.
Other names: c.748G>C, p.Gly250Arg (NM_001005918.3, NM_001243182.2, NM_001330578.2 and 30 more transcripts); c.652G>C, p.Gly218Arg (NM_001406517.1, NM_001406518.1, NM_001406530.1 and 4 more transcripts); short protein forms G218R, G250R.
Identifiers: ClinVar variation 3336555 (VCV003336555.1).

ClinVar aggregate classification (germline): Uncertain significance (1 of 4 stars; one submission).

gnomAD v4.1: 1 of 1,614,000 alleles (0.000062%); highest among the groups gnomAD compares: Admixed American, 0.0017%; no homozygotes.

Submission:

Women's Health and Genetics/Laboratory Corporation of America, LabCorp
Classification: Uncertain significance. Last evaluated: 2024-05-16. Review status: criteria provided, single submitter. Criteria: LabCorp Variant Classification Summary - May 2015. Collection method: clinical testing. Allele origin: germline.
Comment: Variant summary: ATP7B c.748G>C (p.Gly250Arg) results in a non-conservative amino acid change in the encoded protein sequence. Three of five in-silico tools predict a damaging effect of the variant on protein function. The variant allele was found at a frequency of 4e-06 in 249030 control chromosomes. The available data on variant occurrences in the general population are insufficient to allow any conclusion about variant significance. To our knowledge, c.748G>C has not been reported in the literature in individuals affected with Wilson Disease. However, another variant with the same amino acid effect (c.748G>A, p.Gly250Arg) has been reported in at least one compound heterozygous individual affected with Wilson disease with two additional ATP7B variants, phase not reported (e.g. Li_2021, Hua_2016). These reports do not provide unequivocal conclusions about association of the variant with Wilson Disease. To our knowledge, no experimental evidence demonstrating an impact on protein function has been reported. The following publications have been ascertained in the context of this evaluation (PMID: 34470610, 27398169). No submitters have cited clinical-significance assessments for this variant to ClinVar. However ClinVar conatins an entry (ID: 2140354) for a different variant with the same amino acid effect (c.748G>A, p.Gly250Arg). Based on the evidence outlined above, the variant was classified as uncertain significance.

Literature cited by the submitters: PubMed 27398169; PubMed 34470610.